The following is an entry in ClinVar:

NM_080386.4(TUBA3D):c.1168C>G (p.Arg390Gly)

Genes: MZT2A (mitotic spindle organizing protein 2A; minus strand), TUBA3D (tubulin alpha 3d; plus strand). Cytogenetic location: 2q21.1.
Variant type: single nucleotide variant.
Coding change: c.1168C>G on transcript NM_080386.4 (MANE Select); coding-DNA position 1168, C replaced by G.
Protein change: p.Arg390Gly; replaces arginine 390 with glycine.
Molecular consequence: missense variant.
Genome position (GRCh38, 1-based): chr2:131,482,663, C>G. VCF-style: chr2-131482663-C-G. GRCh37 (hg19) VCF-style: chr2-132240236-C-G.
Other names: short protein forms R390G.
Identifiers: ClinVar variation 3184718 (VCV003184718.15), dbSNP rs569698228, ClinGen allele CA1878185.

ClinVar aggregate classification (germline): Conflicting classifications of pathogenicity. Review status: criteria provided, conflicting classifications (1 of 4 stars). 2 submissions from 2 submitters: Uncertain significance (1); Likely benign (1). Last evaluated 2024-11-01.

gnomAD v4.1: 46 of 1,614,038 alleles (0.0028%); highest among the groups gnomAD compares: Non-Finnish European, 0.0038%; no homozygotes.

Submissions (2):

CeGaT Center for Human Genetics Tuebingen
Classification: Likely benign. Last evaluated: 2024-11-01. Review status: criteria provided, single submitter. Criteria: CeGaT Center For Human Genetics Tuebingen Variant Classification Criteria Version 2. Collection method: clinical testing. Allele origin: germline. Affected: yes. Observed: 1 variant allele.
Comment: TUBA3D: BS2

Ambry Genetics
Classification: Uncertain significance. Last evaluated: 2023-09-22. Review status: criteria provided, single submitter. Criteria: Ambry Variant Classification Scheme 2023. Collection method: clinical testing. Allele origin: germline.